The following is an entry in ClinVar:

ClinVar aggregate classification (germline): Uncertain significance (1 of 4 stars; one submission).

Conditions:
Acute myeloid leukemia (AML). Also called: Leukemia, acute myeloid, somatic; Leukemia, acute myelogenous, somatic; Acute myeloid leukemia, adult; AML adult; Acute non-lymphocytic leukemia; Acute granulocytic leukemia. Identifiers: Orphanet 519, MedGen C0023467, MeSH D015470, MONDO:0018874, OMIM 601626, HP:0004808. Disease mechanism: Constitutively activated FLT3.

Submission:

Labcorp Genetics (formerly Invitae), Labcorp
Classification: Uncertain significance for Acute myeloid leukemia. Last evaluated: 2021-12-02. Review status: criteria provided, single submitter. Criteria: Invitae Variant Classification Sherloc (09022015). Collection method: clinical testing. Allele origin: germline.
Comment: In summary, the available evidence is currently insufficient to determine the role of this variant in disease. Therefore, it has been classified as a Variant of Uncertain Significance. Algorithms developed to predict the effect of missense changes on protein structure and function (SIFT, PolyPhen-2, Align-GVGD) all suggest that this variant is likely to be tolerated. This variant has not been reported in the literature in individuals affected with CEBPA-related conditions. This variant is not present in population databases (gnomAD no frequency). This sequence change replaces aspartic acid, which is acidic and polar, with histidine, which is basic and polar, at codon 5 of the CEBPA protein (p.Asp5His).

NM_004364.5(CEBPA):c.13G>C (p.Asp5His)

Genes: CEBPA (CCAAT enhancer binding protein alpha; minus strand), LOC130064183 (ATAC-STARR-seq lymphoblastoid silent region 10495; plus strand). Cytogenetic location: 19q13.11.
Variant type: single nucleotide variant.
Coding change: c.13G>C on transcript NM_004364.5 (MANE Select); coding-DNA position 13, G replaced by C.
Protein change: p.Asp5His; replaces aspartic acid 5 with histidine.
Molecular consequence: missense variant. On other transcripts: 5 prime UTR variant (2).
Genome position (GRCh38, 1-based): chr19:33,302,402, C>G on the plus strand (G>C on the coding strand, the complement: CEBPA is on the minus strand). VCF-style: chr19-33302402-C-G. GRCh37 (hg19) VCF-style: chr19-33793308-C-G.
Other names: c.-345G>C (NM_001285829.2); c.118G>C, p.Asp40His (NM_001287424.2); c.-30G>C (NM_001287435.2); short protein forms D40H, D5H.
Identifiers: ClinVar variation 1442964 (VCV001442964.6), dbSNP rs2145265106, ClinGen allele CA405275868.